The following is an entry in ClinVar:

ClinVar aggregate classification (germline): Benign/Likely benign. Review status: criteria provided, multiple submitters, no conflicts (2 of 4 stars). 6 submissions from 6 submitters: Benign (4); Likely benign (2). Last evaluated 2026-05-21.

Conditions:
Neurofibromatosis, type 1 (NF1). Also called: Neurofibromatosis, type I; VON RECKLINGHAUSEN DISEASE; Peripheral type neurofibromatosis; NEUROFIBROMATOSIS, TYPE I, SOMATIC. Identifiers: Orphanet 636, MedGen C0027831, MONDO:0018975, OMIM 162200. Disease mechanism: loss of function.

Allele frequency attached by ClinVar (database versions not stated): gnomAD 0.00009 and 0.00011; TOPMed 0.00013; gnomAD exomes 0.00016; ExAC 0.00017; ESP Exome Variant Server 0.00023.
gnomAD v4.1: 183 of 1,613,678 alleles (0.011%); highest among the groups gnomAD compares: Non-Finnish European, 0.014%; 1 homozygote.

Submissions (6):

Myriad Genetics, Inc.
Classification: Benign for Neurofibromatosis, type 1. Last evaluated: 2026-05-21. Review status: criteria provided, single submitter. Criteria: Myriad Autosomal Dominant, Autosomal Recessive and X-Linked Classification Criteria (2023). Collection method: clinical testing. Allele origin: unknown.
Comment: This variant is considered benign. This variant is intronic and is not expected to impact mRNA splicing. This variant has been observed at a population frequency that is significantly greater than expected given the associated disease prevalence and penetrance.

Labcorp Genetics (formerly Invitae), Labcorp
Classification: Benign for Neurofibromatosis, type 1. Last evaluated: 2026-01-28. Review status: criteria provided, single submitter. Criteria: Invitae Variant Classification Sherloc (09022015). Collection method: clinical testing. Allele origin: germline.

Blueprint Genetics
Classification: Likely benign. Last evaluated: 2024-11-04. Review status: criteria provided, single submitter. Criteria: ACMG Guidelines, 2015. Collection method: clinical testing. Allele origin: germline.

Genome-Nilou Lab
Classification: Benign for Neurofibromatosis, type 1. Last evaluated: 2022-03-15. Review status: criteria provided, single submitter. Criteria: ACMG Guidelines, 2015. Collection method: clinical testing. Allele origin: germline. Affected: no.

ARUP Laboratories, Molecular Genetics and Genomics, ARUP Laboratories
Classification: Likely benign. Last evaluated: 2019-10-24. Review status: criteria provided, single submitter. Criteria: ARUP Molecular Germline Variant Investigation Process. Collection method: clinical testing. Allele origin: germline.

Centre for Mendelian Genomics, University Medical Centre Ljubljana
Classification: Benign for Neurofibromatosis, type 1. Last evaluated: 2018-10-04. Review status: criteria provided, single submitter. Criteria: ACMG Guidelines, 2015. Collection method: clinical testing. Allele origin: unknown. Affected: yes.
Comment: This variant was classified as: Benign. The following ACMG criteria were applied in classifying this variant: BS1,BS2.

NM_001042492.3(NF1):c.7322-14C>T

Gene: NF1 (neurofibromin 1; plus strand). Cytogenetic location: 17q11.2.
Variant type: single nucleotide variant.
Coding change: c.7322-14C>T on transcript NM_001042492.3 (MANE Select); 14 bases into the intron before coding-DNA position 7322, C replaced by T.
Molecular consequence: intron variant.
Genome position (GRCh38, 1-based): chr17:31,350,169, C>T. VCF-style: chr17-31350169-C-T. GRCh37 (hg19) VCF-style: chr17-29677187-C-T.
Other names: c.7259-14C>T (NM_000267.4).
Identifiers: ClinVar variation 931812 (VCV000931812.21), dbSNP rs377244887, ClinGen allele CA8487555.
Genomic context (GRCh38, chr17:31,350,169, plus strand): 5'-TAAGAAGTTCATCCTGTTTTAAGTCACACTTGTGATTTGTTAAATTTTTTAACCTGCCAC[C>T]GTTTTCCTTTTAGCTTTACTTACAGTGTCTGAAGAAGTTCGAAGTCGCTGCAGCCTAAAA-3'